The following is an entry in ClinVar:

ClinVar aggregate classification (germline): Uncertain significance. Review status: criteria provided, multiple submitters, no conflicts (2 of 4 stars). 3 submissions from 3 submitters: Uncertain significance (3). Last evaluated 2026-02-18.

Conditions:
Charcot-Marie-Tooth disease. Also called: Charcot-Marie-Tooth Neuropathy; Charcot-Marie-Tooth Hereditary Neuropathy. Identifiers: Orphanet 166, MedGen C0007959, MONDO:0015626.
PRX-related disorder. Also called: PRX-Related Disorders; PRX-related condition.

Allele frequency attached by ClinVar (database versions not stated): gnomAD exomes 0.00001 and 0.00002; ExAC 0.00002.
gnomAD v4.1: 10 of 1,613,772 alleles (0.00062%); highest among the groups gnomAD compares: South Asian, 0.0055%; no homozygotes.

Submissions (3):

Women's Health and Genetics/Laboratory Corporation of America, LabCorp
Classification: Uncertain significance. Last evaluated: 2026-02-18. Review status: criteria provided, single submitter. Criteria: LabCorp Variant Classification Summary - May 2015. Collection method: clinical testing. Allele origin: germline.
Comment: Variant summary: PRX c.10A>G (p.Arg4Gly) results in a non-conservative amino acid change in the encoded protein sequence. Algorithms developed to predict the effect of missense changes on protein structure and function are either unavailable or do not agree on the potential impact of this missense change. The variant allele was found at a frequency of 1.6e-05 in 250970 control chromosomes. The available data on variant occurrences in the general population are insufficient to allow any conclusion about variant significance. c.10A>G has been observed in individual(s) affected with Charcot-Marie-Tooth disease (Volodarsky_2021). This report does not provide unequivocal conclusions about association of the variant with Charcot-Marie-Tooth disease type 4F. To our knowledge, no experimental evidence demonstrating an impact on protein function has been reported. The following publication has been ascertained in the context of this evaluation (PMID: 32376792). ClinVar contains an entry for this variant (Variation ID: 916922). Based on the evidence outlined above, the variant was classified as uncertain significance.

PreventionGenetics, part of Exact Sciences
Classification: Uncertain significance for PRX-related condition. Last evaluated: 2025-06-24. Review status: criteria provided, single submitter. Criteria: ACMG Guidelines, 2015. Collection method: clinical testing. Allele origin: germline.
Comment: The PRX c.10A>G variant is predicted to result in the amino acid substitution p.Arg4Gly. This variant was reported as a variant of uncertain significance in an individual from a large cohort study of Charcot-Marie-Tooth disease; however, additional evidence was not provided (Volodarsky et al. 2021. PubMed ID: 32376792). This variant is reported in 0.0098% of alleles in individuals of South Asian descent in gnomAD. At this time, the clinical significance of this variant is uncertain due to the absence of conclusive functional and genetic evidence.

Molecular Genetics Laboratory, London Health Sciences Centre
Classification: Uncertain significance for Charcot-Marie-Tooth disease. Review status: criteria provided, single submitter. Criteria: ACMG Guidelines, 2015. Collection method: clinical testing. Allele origin: germline. Affected: yes.

Literature cited by the submitters: PubMed 32376792 (cited by Women's Health and Genetics/Laboratory Corporation of America, LabCorp).

NM_181882.3(PRX):c.10A>G (p.Arg4Gly)

Gene: PRX (periaxin; minus strand). Cytogenetic location: 19q13.2.
Variant type: single nucleotide variant.
Coding change: c.10A>G on transcript NM_181882.3 (MANE Select); coding-DNA position 10, A replaced by G.
Protein change: p.Arg4Gly; replaces arginine 4 with glycine.
Molecular consequence: missense variant.
Genome position (GRCh38, 1-based): chr19:40,407,923, T>C on the plus strand (A>G on the coding strand, the complement: PRX is on the minus strand). VCF-style: chr19-40407923-T-C. GRCh37 (hg19) VCF-style: chr19-40913830-T-C.
Other names: c.10A>G (NM_181882.2); c.10A>G, p.Arg4Gly (NM_020956.2); short protein forms R4G.
Identifiers: ClinVar variation 916922 (VCV000916922.3), dbSNP rs760534109, ClinGen allele CA9444631.